The following is an entry in ClinVar:

ClinVar aggregate classification (germline): Uncertain significance (1 of 4 stars; one submission).

Submission:

Labcorp Genetics (formerly Invitae), Labcorp
Classification: Uncertain significance. Last evaluated: 2025-08-11. Review status: criteria provided, single submitter. Criteria: Invitae Variant Classification Sherloc (09022015). Collection method: clinical testing. Allele origin: germline.
Comment: This sequence change falls in intron 14 of the C5 gene. It does not directly change the encoded amino acid sequence of the C5 protein. It affects a nucleotide within the consensus splice site. This variant is not present in population databases (gnomAD no frequency). This variant has not been reported in the literature in individuals affected with C5-related conditions. Variants that disrupt the consensus splice site are a relatively common cause of aberrant splicing (PMID: 17576681, 9536098). Algorithms developed to predict the effect of sequence changes on RNA splicing suggest that this variant may disrupt the consensus splice site. In summary, the available evidence is currently insufficient to determine the role of this variant in disease. Therefore, it has been classified as a Variant of Uncertain Significance.

Literature cited by the submitters: PubMed 17576681; PubMed 9536098.

NM_001735.3(C5):c.1867-3C>G

Gene: C5 (complement C5; minus strand). Cytogenetic location: 9q33.2.
Variant type: single nucleotide variant.
Coding change: c.1867-3C>G on transcript NM_001735.3 (MANE Select); 3 bases into the intron before coding-DNA position 1867, C replaced by G.
Molecular consequence: intron variant.
Genome position (GRCh38, 1-based): chr9:121,016,386, G>C on the plus strand (C>G on the coding strand, the complement: C5 is on the minus strand). VCF-style: chr9-121016386-G-C. GRCh37 (hg19) VCF-style: chr9-123778664-G-C.
Other names: c.1885-3C>G (NM_001317163.2); c.1867-3C>G (NM_001317164.2).
Identifiers: ClinVar variation 4713062 (VCV004713062.1).